The following is an entry in ClinVar:

NM_002439.5(MSH3):c.1896+2T>C

Gene: MSH3 (mutS homolog 3; plus strand). Cytogenetic location: 5q14.1.
Variant type: single nucleotide variant.
Coding change: c.1896+2T>C on transcript NM_002439.5 (MANE Select); the canonical splice donor site of the intron after coding-DNA position 1896, T replaced by C.
Molecular consequence: splice donor variant.
Genome position (GRCh38, 1-based): chr5:80,761,680, T>C. VCF-style: chr5-80761680-T-C. GRCh37 (hg19) VCF-style: chr5-80057499-T-C.
Identifiers: ClinVar variation 650587 (VCV000650587.13), dbSNP rs1580027713, ClinGen allele CA360276754.

ClinVar aggregate classification (germline): Pathogenic/Likely pathogenic. Review status: criteria provided, multiple submitters, no conflicts (2 of 4 stars). 4 submissions from 4 submitters: Pathogenic (1); Likely pathogenic (3). Last evaluated 2024-08-05.

Conditions:
Familial adenomatous polyposis 4 (FAP4). Also called: MSH3-related attenuated familial adenomatous polyposis. Identifiers: Orphanet 480536, MedGen C4310719, MONDO:0044300, OMIM 617100.
Hereditary cancer-predisposing syndrome. Also called: Neoplastic Syndromes, Hereditary; Tumor predisposition; Hereditary Cancer Syndrome; Hereditary neoplastic syndrome. Identifiers: Orphanet 140162, MedGen C0027672, MeSH D009386, MONDO:0015356.
Endometrial carcinoma. Also called: Endometrial carcinoma, somatic. Identifiers: MedGen C0476089, MONDO:0002447, OMIM 608089, HP:0012114.

Allele frequency attached by ClinVar (database versions not stated): gnomAD exomes below 0.00001.
gnomAD v4.1: 1 of 1,614,080 alleles (0.000062%); highest among the groups gnomAD compares: South Asian, 0.0011%; no homozygotes.

Submissions (4):

Ambry Genetics
Classification: Likely pathogenic for Hereditary cancer-predisposing syndrome. Last evaluated: 2024-08-05. Review status: criteria provided, single submitter. Criteria: Ambry Variant Classification Scheme 2023. Collection method: clinical testing. Allele origin: germline.
Comment: The c.1896+2T>C intronic variant results from a T to C substitution two nucleotides after coding exon 13 in the MSH3 gene. This nucleotide position is highly conserved in available vertebrate species. In silico splice site analysis predicts that this alteration will weaken the native splice donor site. Alterations that disrupt the canonical splice site are expected to cause aberrant splicing, resulting in an abnormal protein or a transcript that is subject to nonsense-mediated mRNA decay. As such, this alteration is classified as likely pathogenic.

Labcorp Genetics (formerly Invitae), Labcorp
Classification: Pathogenic. Last evaluated: 2023-10-13. Review status: criteria provided, single submitter. Criteria: Invitae Variant Classification Sherloc (09022015). Collection method: clinical testing. Allele origin: germline.
Comment: This sequence change affects a donor splice site in intron 13 of the MSH3 gene. RNA analysis indicates that disruption of this splice site induces altered splicing and may result in an absent or disrupted protein product. This variant is not present in population databases (gnomAD no frequency). This variant has not been reported in the literature in individuals affected with MSH3-related conditions. ClinVar contains an entry for this variant (Variation ID: 650587). Studies have shown that disruption of this splice site results in skipping of exon 13 and introduces a premature termination codon (Invitae). The resulting mRNA is expected to undergo nonsense-mediated decay. For these reasons, this variant has been classified as Pathogenic.

Baylor Genetics
Classification: Likely pathogenic for Endometrial carcinoma. Last evaluated: 2023-07-18. Review status: criteria provided, single submitter. Criteria: ACMG Guidelines, 2015. Collection method: clinical testing. Allele origin: unknown.

Myriad Genetics, Inc.
Classification: Likely pathogenic for Familial adenomatous polyposis 4. Last evaluated: 2023-05-23. Review status: criteria provided, single submitter. Criteria: Myriad Autosomal Dominant, Autosomal Recessive and X-Linked Classification Criteria (2023). Collection method: clinical testing. Allele origin: unknown.
Comment: This variant is considered likely pathogenic. This variant occurs within a consensus splice junction and is predicted to result in abnormal mRNA splicing of either an out-of-frame exon or an in-frame exon necessary for protein stability and/or normal function.